The following is an entry in ClinVar:

NM_000701.8(ATP1A1):c.1333-10_1333-9del

Gene: ATP1A1 (ATPase Na+/K+ transporting subunit alpha 1; plus strand). Cytogenetic location: 1p13.1.
Variant type: Microsatellite.
Coding change: c.1333-10_1333-9del on transcript NM_000701.8 (MANE Select); 10 bases into the intron before coding-DNA position 1333 through 9 bases into the intron before coding-DNA position 1333, 2 bases deleted (CT; older notation c.1333-10_1333-9delCT).
Molecular consequence: intron variant.
Genome position (GRCh38, 1-based): chr1:116,392,844-116,392,845, CT deleted; deleting any 2 consecutive bases within chr1:116,392,841-116,392,845 gives the same sequence; the c. name uses the placement nearest the transcript's 3' end. VCF-style (leftmost placement, unchanged base first): chr1-116392840-GTC-G. GRCh37 (hg19) VCF-style: chr1-116935462-GTC-G.
Other names: c.1333-10_1333-9del (NM_001160233.2); c.1240-10_1240-9del (NM_001160234.2).
Identifiers: ClinVar variation 1392493 (VCV001392493.8), dbSNP rs759690387, ClinGen allele CA1025288.

ClinVar aggregate classification (germline): Uncertain significance (1 of 4 stars; one submission).

Submission:

Labcorp Genetics (formerly Invitae), Labcorp
Classification: Uncertain significance. Last evaluated: 2023-08-03. Review status: criteria provided, single submitter. Criteria: Invitae Variant Classification Sherloc (09022015). Collection method: clinical testing. Allele origin: germline.
Comment: This sequence change falls in intron 10 of the ATP1A1 gene. It does not directly change the encoded amino acid sequence of the ATP1A1 protein. This variant is present in population databases (rs759690387, gnomAD 0.003%). This variant has not been reported in the literature in individuals affected with ATP1A1-related conditions. Algorithms developed to predict the effect of sequence changes on RNA splicing suggest that this variant may create or strengthen a splice site. In summary, the available evidence is currently insufficient to determine the role of this variant in disease. Therefore, it has been classified as a Variant of Uncertain Significance.